The following is an entry in ClinVar:

NM_000548.5(TSC2):c.2640-10C>T

Gene: TSC2 (TSC complex subunit 2; plus strand). Cytogenetic location: 16p13.3.
Variant type: single nucleotide variant.
Coding change: c.2640-10C>T on transcript NM_000548.5 (MANE Select); 10 bases into the intron before coding-DNA position 2640, C replaced by T.
Molecular consequence: intron variant.
Genome position (GRCh38, 1-based): chr16:2,076,058, C>T. VCF-style: chr16-2076058-C-T. GRCh37 (hg19) VCF-style: chr16-2126059-C-T.
Other names: c.1296-10C>T (NM_001406693.1, NM_001406689.1, NM_001406690.1 and 6 more transcripts); c.2730-10C>T (NM_001406667.1, NM_001406668.1); c.2040-10C>T (NM_001406680.1, NM_001406683.1, NM_001406687.1 and 6 more transcripts); c.1038-10C>T (NM_001406698.1); c.2640-10C>T (NM_001114382.3, NM_001406663.1, NM_001406664.1 and 6 more transcripts); c.2628-10C>T (NM_001406671.1, NM_001406673.1); c.2178-10C>T (NM_001406681.1); c.2529-10C>T (NM_001406670.1, NM_001318827.2, NM_001406678.1); and 3 more.
Identifiers: ClinVar variation 4071059 (VCV004071059.2).
Genomic context (GRCh38, chr16:2,076,058, plus strand): 5'-TTTTGCACTTCATGCCCTGGGGATGTTTCCCTGCTGCCAGGATGGAGTGCCAGCCCCCTT[C>T]TCATCTCAGGTTTAATCAGTACATCGTGTGTCTGGCCCATCACGTCATAGCCATGTGGTT-3'

ClinVar aggregate classification (germline): Likely benign. Review status: criteria provided, multiple submitters, no conflicts (2 of 4 stars). 2 submissions from 2 submitters: Likely benign (2). Last evaluated 2025-08-10.

Conditions:
Tuberous sclerosis 2 (TSC2). Identifiers: Orphanet 805, MedGen C1860707, MONDO:0013199, OMIM 613254.

Submissions (2):

Labcorp Genetics (formerly Invitae), Labcorp
Classification: Likely benign for Tuberous sclerosis 2. Last evaluated: 2025-08-10. Review status: criteria provided, single submitter. Criteria: Invitae Variant Classification Sherloc (09022015). Collection method: clinical testing. Allele origin: germline.

Myriad Genetics, Inc.
Classification: Likely benign for Tuberous sclerosis 2. Last evaluated: 2025-05-21. Review status: criteria provided, single submitter. Criteria: Myriad Autosomal Dominant, Autosomal Recessive and X-Linked Classification Criteria (2023). Collection method: clinical testing. Allele origin: unknown.
Comment: This variant is considered likely benign. This variant is intronic and is not expected to impact mRNA splicing.